The following is an entry in ClinVar:

NM_015602.4(TOR1AIP1):c.1226T>G (p.Ile409Ser)

Gene: TOR1AIP1 (torsin 1A interacting protein 1; plus strand). Cytogenetic location: 1q25.2.
Variant type: single nucleotide variant.
Coding change: c.1226T>G on transcript NM_015602.4 (MANE Select); coding-DNA position 1226, T replaced by G.
Protein change: p.Ile409Ser; replaces isoleucine 409 with serine.
Molecular consequence: missense variant.
Genome position (GRCh38, 1-based): chr1:179,917,713, T>G. VCF-style: chr1-179917713-T-G. GRCh37 (hg19) VCF-style: chr1-179886848-T-G.
Other names: c.1229T>G, p.Ile410Ser (NM_001267578.2); short protein forms I410S, I409S.
Identifiers: ClinVar variation 856162 (VCV000856162.10), dbSNP rs1649063848, ClinGen allele CA343573761.

ClinVar aggregate classification (germline): Uncertain significance (1 of 4 stars; one submission).

Conditions:
Autosomal recessive limb-girdle muscular dystrophy type 2Y (MRRSDC). Also called: Muscular dystrophy, limb-girdle, type 2y; Muscular dystrophy, autosomal recessive, with rigid spine and distal joint contractures. Identifiers: Orphanet 424261, MedGen C4511482, MONDO:0014900, OMIM 617072.

Allele frequency attached by ClinVar (database versions not stated): gnomAD exomes below 0.00001.
gnomAD v4.1: 2 of 1,614,246 alleles (0.00012%); no homozygotes.

Submission:

Labcorp Genetics (formerly Invitae), Labcorp
Classification: Uncertain significance for Autosomal recessive limb-girdle muscular dystrophy type 2Y. Last evaluated: 2022-07-19. Review status: criteria provided, single submitter. Criteria: Invitae Variant Classification Sherloc (09022015). Collection method: clinical testing. Allele origin: germline.
Comment: This sequence change replaces isoleucine, which is neutral and non-polar, with serine, which is neutral and polar, at codon 410 of the TOR1AIP1 protein (p.Ile410Ser). This variant is not present in population databases (gnomAD no frequency). This variant has not been reported in the literature in individuals affected with TOR1AIP1-related conditions. ClinVar contains an entry for this variant (Variation ID: 856162). Algorithms developed to predict the effect of missense changes on protein structure and function are either unavailable or do not agree on the potential impact of this missense change (SIFT: "Tolerated"; PolyPhen-2: "Probably Damaging"; Align-GVGD: "Class C0"). Algorithms developed to predict the effect of sequence changes on RNA splicing suggest that this variant may create or strengthen a splice site. In summary, the available evidence is currently insufficient to determine the role of this variant in disease. Therefore, it has been classified as a Variant of Uncertain Significance.